The following is an entry in ClinVar:

NM_014874.4(MFN2):c.176-7C>T

Gene: MFN2 (mitofusin 2; plus strand). Cytogenetic location: 1p36.22.
Variant type: single nucleotide variant.
Coding change: c.176-7C>T on transcript NM_014874.4 (MANE Select); 7 bases into the intron before coding-DNA position 176, C replaced by T.
Molecular consequence: intron variant.
Genome position (GRCh38, 1-based): chr1:11,992,548, C>T. VCF-style: chr1-11992548-C-T. GRCh37 (hg19) VCF-style: chr1-12052605-C-T.
Other names: c.176-7C>T (NM_001127660.2).
Identifiers: ClinVar variation 516211 (VCV000516211.14), dbSNP rs374055101, ClinGen allele CA598769.

ClinVar aggregate classification (germline): Benign/Likely benign. Review status: criteria provided, multiple submitters, no conflicts (2 of 4 stars). 5 submissions from 4 submitters: Benign (3); Likely benign (2). Last evaluated 2026-01-27.

Conditions:
Charcot-Marie-Tooth disease type 2. Also called: Charcot-Marie-Tooth type 2. Identifiers: Orphanet 64746, MedGen C0270914, MONDO:0018993.
Hereditary motor and sensory neuropathy with optic atrophy. Also called: PERIPHERAL NEUROPATHY AND OPTIC ATROPHY; CHARCOT-MARIE-TOOTH DISEASE, TYPE 6. Identifiers: Orphanet 90120, MedGen C0393807, MONDO:0019551.

Allele frequency attached by ClinVar (database versions not stated): TOPMed 0.00003; gnomAD 0.00004 and 0.00009; ESP Exome Variant Server 0.00008; gnomAD exomes 0.00016 and 0.00036; 1000 Genomes Project 30x 0.00031; ExAC 0.00037; 1000 Genomes Project 0.00040.
gnomAD v4.1: 251 of 1,614,190 alleles (0.016%); highest among the groups gnomAD compares: South Asian, 0.26%; 4 homozygotes.

Submissions (5):

Labcorp Genetics (formerly Invitae), Labcorp
Classification: Benign for Charcot-Marie-Tooth disease type 2. Last evaluated: 2026-01-27. Review status: criteria provided, single submitter. Criteria: Invitae Variant Classification Sherloc (09022015). Collection method: clinical testing. Allele origin: germline.

Blueprint Genetics
Classification: Likely benign. Last evaluated: 2024-09-10. Review status: criteria provided, single submitter. Criteria: ACMG Guidelines, 2015. Collection method: clinical testing. Allele origin: germline.

Illumina Laboratory Services, Illumina
Classification: Benign for Neuropathy, hereditary motor and sensory, type 6A. Last evaluated: 2018-01-13. Review status: criteria provided, single submitter. Criteria: ICSL Variant Classification Criteria 13 December 2019. Collection method: clinical testing. Allele origin: germline.
Comment: This variant was observed in the ICSL laboratory as part of a predisposition screen in an ostensibly healthy population. It had not been previously curated by ICSL or reported in the Human Gene Mutation Database (HGMD: prior to June 1st, 2018), and was therefore a candidate for classification through an automated scoring system. Utilizing variant allele frequency, disease prevalence and penetrance estimates, and inheritance mode, an automated score was calculated to assess if this variant is too frequent to cause the disease. Based on the score and internal cut-off values, a variant classified as benign is not then subjected to further curation. The score for this variant resulted in a classification of benign for this disease.

Illumina Laboratory Services, Illumina
Classification: Benign for Charcot-Marie-Tooth disease, type 2. Last evaluated: 2018-01-13. Review status: criteria provided, single submitter. Criteria: ICSL Variant Classification Criteria 13 December 2019. Collection method: clinical testing. Allele origin: germline.
Comment: the same text as in the submission from Illumina Laboratory Services, Illumina above.

GeneDx
Classification: Likely benign. Last evaluated: 2017-02-01. Review status: criteria provided, single submitter. Criteria: GeneDx Variant Classification (06012015). Collection method: clinical testing. Allele origin: germline. Affected: yes.
Comment: This variant is considered likely benign or benign based on one or more of the following criteria: it is a conservative change, it occurs at a poorly conserved position in the protein, it is predicted to be benign by multiple in silico algorithms, and/or has population frequency not consistent with disease.